The following is an entry in ClinVar:

NM_001077365.2(POMT1):c.428-1G>C

Gene: POMT1 (protein O-mannosyltransferase 1; plus strand). Cytogenetic location: 9q34.13.
Variant type: single nucleotide variant.
Coding change: c.428-1G>C on transcript NM_001077365.2 (MANE Select); the canonical splice acceptor site of the intron before coding-DNA position 428, G replaced by C.
Molecular consequence: splice acceptor variant.
Genome position (GRCh38, 1-based): chr9:131,508,910, G>C. VCF-style: chr9-131508910-G-C. GRCh37 (hg19) VCF-style: chr9-134384297-G-C.
Other names: c.266-1G>C (NM_001353198.2, NM_001353194.2, NM_001374689.1 and 3 more transcripts); c.428-1G>C (NM_001353193.2, NM_001136113.2, NM_007171.4 and 1 more transcripts); c.77-1G>C (NM_001374691.1, NM_001353195.2, NM_001374692.1 and 2 more transcripts); c.338-1G>C (NM_001353196.2); c.-29-1G>C (NM_001374695.1, NM_001353200.2); c.-709-1G>C (NM_001411024.1).
Identifiers: ClinVar variation 3752957 (VCV003752957.2).

ClinVar aggregate classification (germline): Likely pathogenic (1 of 4 stars; one submission).

Conditions:
Muscular dystrophy-dystroglycanopathy (congenital with impaired intellectual development), type B, 1. Also called: MUSCULAR DYSTROPHY, CONGENITAL, POMT1-RELATED; Muscular dystrophy-dystroglycanopathy (congenital with intellectual disability), type B1. Identifiers: MedGen C5436962, MONDO:0013159, OMIM 613155.
Walker-Warburg congenital muscular dystrophy. Also called: Muscular dystrophy-dystroglycanopathy, type A; Walker-Warburg syndrome. Identifiers: Orphanet 899, MedGen C0265221, MONDO:0000171.
Autosomal recessive limb-girdle muscular dystrophy type 2K. Also called: MUSCULAR DYSTROPHY-DYSTROGLYCANOPATHY (LIMB-GIRDLE), TYPE C, 1; MUSCULAR DYSTROPHY, LIMB-GIRDLE, TYPE 2K. Identifiers: Orphanet 86812, MedGen C1836373, MONDO:0012248, OMIM 609308.

gnomAD v4.1: 1 of 1,603,452 alleles (0.000062%); no homozygotes.

Submission:

Labcorp Genetics (formerly Invitae), Labcorp
Classification: Likely pathogenic for Muscular dystrophy-dystroglycanopathy (congenital with impaired intellectual development), type B, 1; Walker-Warburg congenital muscular dystrophy; Autosomal recessive limb-girdle muscular dystrophy type 2K. Last evaluated: 2024-01-24. Review status: criteria provided, single submitter. Criteria: Invitae Variant Classification Sherloc (09022015). Collection method: clinical testing. Allele origin: germline.
Comment: This sequence change affects an acceptor splice site in intron 5 of the POMT1 gene. It is expected to disrupt RNA splicing. Variants that disrupt the donor or acceptor splice site typically lead to a loss of protein function (PMID: 16199547), and loss-of-function variants in POMT1 are known to be pathogenic (PMID: 12369018, 15637732, 16575835). This variant is present in population databases (no rsID available, gnomAD 0.01%). This variant has not been reported in the literature in individuals affected with POMT1-related conditions. Algorithms developed to predict the effect of sequence changes on RNA splicing suggest that this variant may disrupt the consensus splice site. In summary, the currently available evidence indicates that the variant is pathogenic, but additional data are needed to prove that conclusively. Therefore, this variant has been classified as Likely Pathogenic.

Literature cited by the submitters: PubMed 16199547; PubMed 12369018; PubMed 15637732; PubMed 16575835.